The following is an entry in ClinVar:

NM_005514.8(HLA-B):c.620-5A>G

Gene: HLA-B (major histocompatibility complex, class I, B; minus strand). Cytogenetic location: 6p21.33.
Variant type: single nucleotide variant.
Coding change: c.620-5A>G on transcript NM_005514.8 (MANE Select); 5 bases into the intron before coding-DNA position 620, A replaced by G.
Molecular consequence: intron variant.
Genome position (GRCh38, 1-based): chr6:31,355,597, T>C on the plus strand (A>G on the coding strand, the complement: HLA-B is on the minus strand). VCF-style: chr6-31355597-T-C. GRCh37 (hg19) VCF-style: chr6-31323374-T-C.
Identifiers: ClinVar variation 5039208 (VCV005039208.1).

ClinVar aggregate classification (germline): Likely benign (1 of 4 stars; one submission).

Submission:

CeGaT Center for Human Genetics Tuebingen
Classification: Likely benign. Last evaluated: 2026-07-01. Review status: criteria provided, single submitter. Criteria: CeGaT Center For Human Genetics Tuebingen Variant Classification Criteria Version 2. Collection method: clinical testing. Allele origin: germline. Affected: yes. Observed: 1 variant allele.
Comment: HLA-B: BP4